The following is an entry in ClinVar:

NC_000012.11:g.(?_133212468)_(133263901_?)del

Gene: POLE (DNA polymerase epsilon, catalytic subunit; minus strand). Cytogenetic location: 12q24.33.
Variant type: Deletion.
Identifiers: ClinVar variation 3244397 (VCV003244397.1).

ClinVar aggregate classification (germline): Pathogenic (1 of 4 stars; one submission).

Submission:

Labcorp Genetics (formerly Invitae), Labcorp
Classification: Pathogenic. Last evaluated: 2023-05-11. Review status: criteria provided, single submitter. Criteria: Invitae Variant Classification Sherloc (09022015). Collection method: clinical testing. Allele origin: unknown.
Comment: For these reasons, this variant has been classified as Pathogenic. This variant has not been reported in the literature in individuals affected with POLE-related conditions. This variant is a gross deletion of the genomic region encompassing exon(s) 1-42 of the POLE gene, which includes the initiator codon. This deletion extends beyond the assayed region for this gene and therefore may encompass additional genes. It is expected to result in an absent or disrupted protein product. Loss-of-function variants in POLE are known to be pathogenic (PMID: 23230001, 25948378, 30503519).

Literature cited by the submitters: PubMed 23230001; PubMed 25948378; PubMed 30503519.